The following is an entry in ClinVar:

ClinVar aggregate classification (germline): Likely benign. Review status: criteria provided, multiple submitters, no conflicts (2 of 4 stars). 5 submissions from 5 submitters: Likely benign (4). 1 of the submissions does not count toward it. Last evaluated 2025-10-27.

Conditions:
SLC22A5-related disorder. Also called: SLC22A5-related condition.
Inborn genetic diseases. Identifiers: MedGen C0950123, MeSH D030342.
Renal carnitine transport defect (CDSP). Also called: Carnitine transporter deficiency; Carnitine Deficiency, Systemic; Primary carnitine deficiency; Systemic primary carnitine deficiency; CARNITINE DEFICIENCY, SYSTEMIC, DUE TO DEFECT IN RENAL REABSORPTION OF CARNITINE; CARNITINE TRANSPORTER, PLASMA-MEMBRANE, DEFICIENCY OF. Identifiers: Orphanet 158, MedGen C0342788, MONDO:0008919, OMIM 212140.

Allele frequency attached by ClinVar (database versions not stated): ExAC 0.00002; gnomAD exomes 0.00002 and 0.00005; gnomAD 0.00004 and 0.00005; TOPMed 0.00010.
gnomAD v4.1: 40 of 1,586,654 alleles (0.0025%); highest among the groups gnomAD compares: Admixed American, 0.022%; no homozygotes.

Submissions (5):

Labcorp Genetics (formerly Invitae), Labcorp
Classification: Likely benign for Renal carnitine transport defect. Last evaluated: 2025-10-27. Review status: criteria provided, single submitter. Criteria: Invitae Variant Classification Sherloc (09022015). Collection method: clinical testing. Allele origin: germline.

Ambry Genetics
Classification: Likely benign for Inborn genetic diseases. Last evaluated: 2023-05-30. Review status: criteria provided, single submitter. Criteria: Ambry Variant Classification Scheme 2023. Collection method: clinical testing. Allele origin: germline.

Women's Health and Genetics/Laboratory Corporation of America, LabCorp
Classification: Likely benign. Last evaluated: 2021-10-18. Review status: criteria provided, single submitter. Criteria: LabCorp Variant Classification Summary - May 2015. Collection method: clinical testing. Allele origin: germline.
Comment: Variant summary: SLC22A5 c.246C>T alters a non-conserved nucleotide resulting in a synonymous change. 4/4 computational tools predict no significant impact on normal splicing. However, these predictions have yet to be confirmed by functional studies. The variant allele was found at a frequency of 4.7e-05 in 193282 control chromosomes. The available data on variant occurrences in the general population are insufficient to allow any conclusion about variant significance. c.246C>T has been reported in the literature in one individual affected with Systemic Primary Carnitine Deficiency (Lamhonwah_2002). This patient also carries SLC22A5 c.254_264dup (p.Ile89GlyfsX45) in cis, providing supporting evidence for a benign role of c.246C>T. To our knowledge, no experimental evidence demonstrating an impact on protein function has been reported. Two clinical diagnostic laboratories have submitted clinical-significance assessments for this variant to ClinVar after 2014 without evidence for independent evaluation. Both laboratories classified the variant as likely benign. Based on the evidence outlined above, the variant was classified as likely benign.

CeGaT Center for Human Genetics Tuebingen
Classification: Likely benign. Last evaluated: 2020-01-01. Review status: criteria provided, single submitter. Criteria: CeGaT Center For Human Genetics Tuebingen Variant Classification Criteria Version 2. Collection method: clinical testing. Allele origin: germline. Affected: yes. Observed: 2 variant alleles.

PreventionGenetics, part of Exact Sciences
Classification: Likely benign for SLC22A5-related condition. Last evaluated: 2021-02-10. Review status: no assertion criteria provided. Collection method: clinical testing. Allele origin: germline. Not counted in ClinVar's aggregate classification.
Comment: This variant is classified as likely benign based on ACMG/AMP sequence variant interpretation guidelines (Richards et al. 2015 PMID: 25741868, with internal and published modifications).

Literature cited by the submitters: PubMed 12210323 (cited by Women's Health and Genetics/Laboratory Corporation of America, LabCorp).

NM_003060.4(SLC22A5):c.246C>T (p.Arg82=)

Gene: SLC22A5 (solute carrier family 22 member 5; plus strand). Cytogenetic location: 5q31.1.
Variant type: single nucleotide variant.
Coding change: c.246C>T on transcript NM_003060.4 (MANE Select); coding-DNA position 246, C replaced by T.
Protein change: p.Arg82=; no amino-acid change (arginine 82 retained).
Molecular consequence: synonymous variant.
Genome position (GRCh38, 1-based): chr5:132,370,218, C>T. VCF-style: chr5-132370218-C-T. GRCh37 (hg19) VCF-style: chr5-131705910-C-T.
Other names: c.246C>T, p.Arg82= (NM_001308122.2).
Identifiers: ClinVar variation 25360 (VCV000025360.55), dbSNP rs377767448, ClinGen allele CA293498.